The following is an entry in ClinVar:

NM_001376.5(DYNC1H1):c.6172G>A (p.Gly2058Ser)

Gene: DYNC1H1 (dynein cytoplasmic 1 heavy chain 1; plus strand). Cytogenetic location: 14q32.31.
Variant type: single nucleotide variant.
Coding change: c.6172G>A on transcript NM_001376.5 (MANE Select); coding-DNA position 6172, G replaced by A.
Protein change: p.Gly2058Ser; replaces glycine 2058 with serine.
Molecular consequence: missense variant.
Genome position (GRCh38, 1-based): chr14:102,010,037, G>A. VCF-style: chr14-102010037-G-A. GRCh37 (hg19) VCF-style: chr14-102476374-G-A.
Other names: short protein forms G2058S.
Identifiers: ClinVar variation 3636151 (VCV003636151.2).

ClinVar aggregate classification (germline): Uncertain significance (1 of 4 stars; one submission).

Conditions:
Charcot-Marie-Tooth disease axonal type 2O. Also called: Charcot-Marie-Tooth disease, axonal, type 20; CHARCOT-MARIE-TOOTH NEUROPATHY, AXONAL, TYPE 2O; CHARCOT-MARIE-TOOTH DISEASE, AXONAL, AUTOSOMAL DOMINANT, TYPE 2O; Charcot-Marie-Tooth Neuropathy Type 2O. Identifiers: Orphanet 284232, MedGen C3280220, MONDO:0013644, OMIM 614228.

Submission:

Labcorp Genetics (formerly Invitae), Labcorp
Classification: Uncertain significance for Charcot-Marie-Tooth disease axonal type 2O. Last evaluated: 2024-02-29. Review status: criteria provided, single submitter. Criteria: Invitae Variant Classification Sherloc (09022015). Collection method: clinical testing. Allele origin: germline.
Comment: This sequence change replaces glycine, which is neutral and non-polar, with serine, which is neutral and polar, at codon 2058 of the DYNC1H1 protein (p.Gly2058Ser). This variant is not present in population databases (gnomAD no frequency). This missense change has been observed in individual(s) with clinical features of Charcot-Marie-Tooth disease (Invitae). Advanced modeling of protein sequence and biophysical properties (such as structural, functional, and spatial information, amino acid conservation, physicochemical variation, residue mobility, and thermodynamic stability) performed at Invitae indicates that this missense variant is expected to disrupt DYNC1H1 protein function with a positive predictive value of 95%. In summary, the available evidence is currently insufficient to determine the role of this variant in disease. Therefore, it has been classified as a Variant of Uncertain Significance.